The following is an entry in ClinVar:

ClinVar aggregate classification (germline): Likely benign (1 of 4 stars; one submission).

gnomAD v4.1: 1 of 1,612,256 alleles (0.000062%); no homozygotes.

Submission:

CeGaT Center for Human Genetics Tuebingen
Classification: Likely benign. Last evaluated: 2022-12-01. Review status: criteria provided, single submitter. Criteria: CeGaT Center For Human Genetics Tuebingen Variant Classification Criteria Version 2. Collection method: clinical testing. Allele origin: germline. Affected: yes. Observed: 1 variant allele.
Comment: SIPA1L3: BP4, BP7

NM_015073.3(SIPA1L3):c.3363C>A (p.Pro1121=)

Gene: SIPA1L3 (signal induced proliferation associated 1 like 3; plus strand). Cytogenetic location: 19q13.13.
Variant type: single nucleotide variant.
Coding change: c.3363C>A on transcript NM_015073.3 (MANE Select); coding-DNA position 3363, C replaced by A.
Protein change: p.Pro1121=; no amino-acid change (proline 1121 retained).
Molecular consequence: synonymous variant.
Genome position (GRCh38, 1-based): chr19:38,141,403, C>A. VCF-style: chr19-38141403-C-A. GRCh37 (hg19) VCF-style: chr19-38632043-C-A.
Identifiers: ClinVar variation 2649784 (VCV002649784.24), dbSNP rs1207226086, ClinGen allele CA507214080.